The following is an entry in ClinVar:

ClinVar aggregate classification (germline): Uncertain significance (1 of 4 stars; one submission).

Conditions:
Cardiovascular phenotype. Identifiers: MedGen CN230736.

Allele frequency attached by ClinVar (database versions not stated): gnomAD 0.00001; TOPMed 0.00001; ESP Exome Variant Server 0.00023.

Submission:

Ambry Genetics
Classification: Uncertain significance for Cardiovascular phenotype. Last evaluated: 2021-06-25. Review status: criteria provided, single submitter. Criteria: Ambry Variant Classification Scheme 2023. Collection method: clinical testing. Allele origin: germline.
Comment: The p.E98D variant (also known as c.294G>C), located in coding exon 3 of the APOA5 gene, results from a G to C substitution at nucleotide position 294. The glutamic acid at codon 98 is replaced by aspartic acid, an amino acid with highly similar properties. This amino acid position is conserved. In addition, this alteration is predicted to be tolerated by in silico analysis. Since supporting evidence is limited at this time, the clinical significance of this alteration remains unclear.

NM_001371904.1(APOA5):c.294G>C (p.Glu98Asp)

Gene: APOA5 (apolipoprotein A5; minus strand). Cytogenetic location: 11q23.3.
Variant type: single nucleotide variant.
Coding change: c.294G>C on transcript NM_001371904.1 (MANE Select); coding-DNA position 294, G replaced by C.
Protein change: p.Glu98Asp; replaces glutamic acid 98 with aspartic acid.
Molecular consequence: missense variant.
Genome position (GRCh38, 1-based): chr11:116,790,935, C>G on the plus strand (G>C on the coding strand, the complement: APOA5 is on the minus strand). VCF-style: chr11-116790935-C-G. GRCh37 (hg19) VCF-style: chr11-116661651-C-G.
Other names: c.294G>C, p.Glu98Asp (NM_001166598.2, NM_052968.5); short protein forms E98D.
Identifiers: ClinVar variation 1798043 (VCV001798043.2), dbSNP rs143382500, ClinGen allele CA6289098.